The following is an entry in ClinVar:

ClinVar aggregate classification (germline): Uncertain significance. Review status: criteria provided, multiple submitters, no conflicts (2 of 4 stars). 2 submissions from 2 submitters: Uncertain significance (2). Last evaluated 2025-08-01.

Conditions:
Glycine encephalopathy. Also called: Nonketotic hyperglycinemia; Non-ketotic hyperglycinemia. Identifiers: Orphanet 407, MedGen C0751748, MONDO:0011612, HP:0008288.
Inborn genetic diseases. Identifiers: MedGen C0950123, MeSH D030342.

Allele frequency attached by ClinVar (database versions not stated): gnomAD 0.00001; gnomAD exomes 0.00020.

Submissions (2):

Ambry Genetics
Classification: Uncertain significance for Inborn genetic diseases. Last evaluated: 2025-08-01. Review status: criteria provided, single submitter. Criteria: Ambry Variant Classification Scheme 2023. Collection method: clinical testing. Allele origin: germline.

Labcorp Genetics (formerly Invitae), Labcorp
Classification: Uncertain significance for Glycine encephalopathy. Last evaluated: 2024-10-22. Review status: criteria provided, single submitter. Criteria: Invitae Variant Classification Sherloc (09022015). Collection method: clinical testing. Allele origin: germline.
Comment: This sequence change replaces threonine, which is neutral and polar, with isoleucine, which is neutral and non-polar, at codon 15 of the GCSH protein (p.Thr15Ile). This variant is present in population databases (no rsID available, gnomAD 0.1%). This variant has not been reported in the literature in individuals affected with GCSH-related conditions. ClinVar contains an entry for this variant (Variation ID: 949660). An algorithm developed to predict the effect of missense changes on protein structure and function (PolyPhen-2) suggests that this variant is likely to be tolerated. In summary, the available evidence is currently insufficient to determine the role of this variant in disease. Therefore, it has been classified as a Variant of Uncertain Significance.

NM_004483.5(GCSH):c.44C>T (p.Thr15Ile)

Genes: GCSH (glycine cleavage system protein H; minus strand), LOC130059495 (ATAC-STARR-seq lymphoblastoid silent region 7751; plus strand). Cytogenetic location: 16q23.2.
Variant type: single nucleotide variant.
Coding change: c.44C>T on transcript NM_004483.5 (MANE Select); coding-DNA position 44, C replaced by T.
Protein change: p.Thr15Ile; replaces threonine 15 with isoleucine.
Molecular consequence: missense variant. On other transcripts: non-coding transcript variant (1).
Genome position (GRCh38, 1-based): chr16:81,096,235, G>A on the plus strand (C>T on the coding strand, the complement: GCSH is on the minus strand). VCF-style: chr16-81096235-G-A. GRCh37 (hg19) VCF-style: chr16-81129840-G-A.
Other names: short protein forms T15I.
Identifiers: ClinVar variation 949660 (VCV000949660.11), dbSNP rs1339562877, ClinGen allele CA396889478.